The following is an entry in ClinVar:

ClinVar aggregate classification (germline): Likely benign (1 of 4 stars; one submission).

gnomAD v4.1: 84 of 1,605,106 alleles (0.0052%); highest among the groups gnomAD compares: South Asian, 0.041%; no homozygotes.

Submission:

CeGaT Center for Human Genetics Tuebingen
Classification: Likely benign. Last evaluated: 2026-05-01. Review status: criteria provided, single submitter. Criteria: CeGaT Center For Human Genetics Tuebingen Variant Classification Criteria Version 2. Collection method: clinical testing. Allele origin: germline. Affected: yes. Observed: 1 variant allele.
Comment: BRSK2: BP4, BP7

NM_001256627.2(BRSK2):c.621C>T (p.Phe207=)

Gene: BRSK2 (BR serine/threonine kinase 2; plus strand). Cytogenetic location: 11p15.5.
Variant type: single nucleotide variant.
Coding change: c.621C>T on transcript NM_001256627.2 (MANE Select); coding-DNA position 621, C replaced by T.
Protein change: p.Phe207=; no amino-acid change (phenylalanine 207 retained).
Molecular consequence: synonymous variant. On other transcripts: non-coding transcript variant (1).
Genome position (GRCh38, 1-based): chr11:1,443,391, C>T. VCF-style: chr11-1443391-C-T. GRCh37 (hg19) VCF-style: chr11-1464621-C-T.
Other names: c.621C>T, p.Phe207= (NM_001256629.2, NM_001440665.1, NM_001440666.1 and 3 more transcripts); c.759C>T, p.Phe253= (NM_001256630.1, NM_001440667.1); c.441C>T, p.Phe147= (NM_001282218.2, NM_001440669.1, NM_001440671.1 and 5 more transcripts).
Identifiers: ClinVar variation 4872354 (VCV004872354.2).
Genomic context (GRCh38, chr11:1,443,391, plus strand): 5'-ACAGGGGGAGAAGTATGACGGCCGGAAGGCGGACGTGTGGAGCTGCGGCGTCATCCTGTT[C>T]GCCTTGCTGGTGGTGAGACCCTGGCCCCCTCAACCCTGCCCTGGCCTCTCCCCAAACCTG-3'
Protein context (NP_001243556.1, residues 197-217): ADVWSCGVIL[Phe207=]ALLVGALPFD